The following is an entry in ClinVar:

NM_004560.4(ROR2):c.137C>A (p.Pro46His)

Gene: ROR2 (receptor tyrosine kinase like orphan receptor 2; minus strand). Cytogenetic location: 9q22.31.
Variant type: single nucleotide variant.
Coding change: c.137C>A on transcript NM_004560.4 (MANE Select); coding-DNA position 137, C replaced by A.
Protein change: p.Pro46His; replaces proline 46 with histidine.
Molecular consequence: missense variant.
Genome position (GRCh38, 1-based): chr9:91,775,779, G>T on the plus strand (C>A on the coding strand, the complement: ROR2 is on the minus strand). VCF-style: chr9-91775779-G-T. GRCh37 (hg19) VCF-style: chr9-94538061-G-T.
Other names: c.137C>A, p.Pro46His (NM_001318204.2); short protein forms P46H.
Identifiers: ClinVar variation 1957498 (VCV001957498.5), dbSNP rs1826398351, ClinGen allele CA373841116.

ClinVar aggregate classification (germline): Uncertain significance (1 of 4 stars; one submission).

Allele frequency attached by ClinVar (database versions not stated): TOPMed below 0.00001; gnomAD 0.00001.
gnomAD v4.1: 2 of 1,614,024 alleles (0.00012%); highest among the groups gnomAD compares: Non-Finnish European, 0.00017%; no homozygotes.

Submission:

Labcorp Genetics (formerly Invitae), Labcorp
Classification: Uncertain significance. Last evaluated: 2022-08-29. Review status: criteria provided, single submitter. Criteria: Invitae Variant Classification Sherloc (09022015). Collection method: clinical testing. Allele origin: germline.
Comment: In summary, the available evidence is currently insufficient to determine the role of this variant in disease. Therefore, it has been classified as a Variant of Uncertain Significance. Advanced modeling of protein sequence and biophysical properties (such as structural, functional, and spatial information, amino acid conservation, physicochemical variation, residue mobility, and thermodynamic stability) performed at Invitae indicates that this missense variant is not expected to disrupt ROR2 protein function. This variant has not been reported in the literature in individuals affected with ROR2-related conditions. This variant is not present in population databases (gnomAD no frequency). This sequence change replaces proline, which is neutral and non-polar, with histidine, which is basic and polar, at codon 46 of the ROR2 protein (p.Pro46His).